The following is an entry in ClinVar:

NM_006231.4(POLE):c.5125G>A (p.Asp1709Asn)

Gene: POLE (DNA polymerase epsilon, catalytic subunit; minus strand). Cytogenetic location: 12q24.33.
Variant type: single nucleotide variant.
Coding change: c.5125G>A on transcript NM_006231.4 (MANE Select); coding-DNA position 5125, G replaced by A.
Protein change: p.Asp1709Asn; replaces aspartic acid 1709 with asparagine.
Molecular consequence: missense variant.
Genome position (GRCh38, 1-based): chr12:132,642,225, C>T on the plus strand (G>A on the coding strand, the complement: POLE is on the minus strand). VCF-style: chr12-132642225-C-T. GRCh37 (hg19) VCF-style: chr12-133218811-C-T.
Other names: short protein forms D1709N.
Identifiers: ClinVar variation 240551 (VCV000240551.25), dbSNP rs572502366, ClinGen allele CA6892623.

ClinVar aggregate classification (germline): Conflicting classifications of pathogenicity. Review status: criteria provided, conflicting classifications (1 of 4 stars). 6 submissions from 6 submitters: Uncertain significance (5); Likely benign (1). Last evaluated 2026-04-01.

Conditions:
Facial dysmorphism-immunodeficiency-livedo-short stature syndrome. Also called: FILS syndrome; Facial dysmorphism, immunodeficiency, livedo, and short stature. Identifiers: Orphanet 352712, MedGen C3554576, MONDO:0014058, OMIM 615139.
Colorectal cancer, susceptibility to, 12 (CRCS12). Also called: COLORECTAL CANCER, SUSCEPTIBILITY TO, ON CHROMOSOME 12q24. Identifiers: Orphanet 220460, MedGen C3554460, MONDO:0014038, OMIM 615083.
Hereditary cancer-predisposing syndrome. Also called: Tumor predisposition; Hereditary Cancer Syndrome; Neoplastic Syndromes, Hereditary; Hereditary neoplastic syndrome. Identifiers: Orphanet 140162, MedGen C0027672, MeSH D009386, MONDO:0015356.

Allele frequency attached by ClinVar (database versions not stated): ExAC 0.00001; gnomAD 0.00001; gnomAD exomes 0.00001; TOPMed 0.00001; 1000 Genomes Project 30x 0.00016; 1000 Genomes Project 0.00020.
gnomAD v4.1: 15 of 1,608,640 alleles (0.00093%); highest among the groups gnomAD compares: Admixed American, 0.0067%; no homozygotes.

Submissions (6):

CeGaT Center for Human Genetics Tuebingen
Classification: Uncertain significance. Last evaluated: 2026-04-01. Review status: criteria provided, single submitter. Criteria: CeGaT Center For Human Genetics Tuebingen Variant Classification Criteria Version 2. Collection method: clinical testing. Allele origin: germline. Affected: yes. Observed: 2 variant alleles.

Labcorp Genetics (formerly Invitae), Labcorp
Classification: Uncertain significance. Last evaluated: 2025-12-06. Review status: criteria provided, single submitter. Criteria: Invitae Variant Classification Sherloc (09022015). Collection method: clinical testing. Allele origin: germline.
Comment: This sequence change replaces aspartic acid, which is acidic and polar, with asparagine, which is neutral and polar, at codon 1709 of the POLE protein (p.Asp1709Asn). The frequency data for this variant in the population databases is considered unreliable, as metrics indicate poor data quality at this position in the gnomAD database. This variant has not been reported in the literature in individuals affected with POLE-related conditions. ClinVar contains an entry for this variant (Variation ID: 240551). Invitae Evidence Modeling of protein sequence and biophysical properties (such as structural, functional, and spatial information, amino acid conservation, physicochemical variation, residue mobility, and thermodynamic stability) indicates that this missense variant is not expected to disrupt POLE protein function with a negative predictive value of 80%. In summary, the available evidence is currently insufficient to determine the role of this variant in disease. Therefore, it has been classified as a Variant of Uncertain Significance.

Ambry Genetics
Classification: Likely benign for Hereditary cancer-predisposing syndrome. Last evaluated: 2024-12-12. Review status: criteria provided, single submitter. Criteria: Ambry Variant Classification Scheme 2023. Collection method: clinical testing. Allele origin: germline.

GeneDx
Classification: Uncertain significance. Last evaluated: 2023-12-15. Review status: criteria provided, single submitter. Criteria: GeneDx Variant Classification Process June 2021. Collection method: clinical testing. Allele origin: germline. Affected: yes.
Comment: Not observed at significant frequency in large population cohorts (gnomAD); In silico analysis supports that this missense variant has a deleterious effect on protein structure/function; Has not been previously published as pathogenic or benign to our knowledge

Revvity Omics, Revvity
Classification: Uncertain significance. Last evaluated: 2022-05-05. Review status: criteria provided, single submitter. Criteria: ACMG Guidelines, 2015. Collection method: clinical testing. Allele origin: germline.

Quest Diagnostics Nichols Institute San Juan Capistrano
Classification: Uncertain significance. Last evaluated: 2018-07-09. Review status: criteria provided, single submitter. Criteria: Quest Diagnostics criteria. Collection method: clinical testing. Allele origin: germline.